The following is an entry in ClinVar:

ClinVar aggregate classification (germline): Benign. Review status: criteria provided, multiple submitters, no conflicts (2 of 4 stars). 3 submissions from 3 submitters: Benign (3). Last evaluated 2026-06-09.

Conditions:
PCDH12-related disorder. Also called: PCDH12-related condition.

Allele frequency attached by ClinVar (database versions not stated): gnomAD exomes 0.00235; ExAC 0.00280; gnomAD 0.00911 and 0.00981; 1000 Genomes Project 0.00998; TOPMed 0.01003; ESP Exome Variant Server 0.01099; 1000 Genomes Project 30x 0.01156.
gnomAD v4.1: 2,705 of 1,614,214 alleles (0.17%); highest among the groups gnomAD compares: African/African-American, 3.2%; 54 homozygotes.

Submissions (3):

PreventionGenetics, part of Exact Sciences
Classification: Benign for PCDH12-related condition. Last evaluated: 2026-06-09. Review status: criteria provided, single submitter. Criteria: ACMG Guidelines, 2015. Collection method: clinical testing. Allele origin: germline.
Comment: This variant is classified as benign based on ACMG/AMP sequence variant interpretation guidelines (Richards et al. 2015 PMID: 25741868, with internal and published modifications).

Labcorp Genetics (formerly Invitae), Labcorp
Classification: Benign. Last evaluated: 2026-01-27. Review status: criteria provided, single submitter. Criteria: Invitae Variant Classification Sherloc (09022015). Collection method: clinical testing. Allele origin: germline.

Mayo Clinic Laboratories, Mayo Clinic
Classification: Benign. Last evaluated: 2022-09-28. Review status: criteria provided, single submitter. Criteria: ACMG Guidelines, 2015. Collection method: clinical testing. Allele origin: germline. Observed: 3 variant alleles.
Comment: BS1, BS2, BP4

NM_016580.4(PCDH12):c.2696C>T (p.Ala899Val)

Genes: PCDH12 (protocadherin 12; minus strand), RNF14 (ring finger protein 14; plus strand). Cytogenetic location: 5q31.3.
Variant type: single nucleotide variant.
Coding change: c.2696C>T on transcript NM_016580.4 (MANE Select); coding-DNA position 2696, C replaced by T.
Protein change: p.Ala899Val; replaces alanine 899 with valine.
Molecular consequence: missense variant.
Genome position (GRCh38, 1-based): chr5:141,955,156, G>A on the plus strand (C>T on the coding strand, the complement: PCDH12 is on the minus strand). VCF-style: chr5-141955156-G-A. GRCh37 (hg19) VCF-style: chr5-141334721-G-A.
Other names: p.Ala899Val; short protein forms A899V.
Identifiers: ClinVar variation 785144 (VCV000785144.13), dbSNP rs61737140, ClinGen allele CA3484158.